The following is an entry in ClinVar:

ClinVar aggregate classification (germline): Uncertain significance. Review status: criteria provided, multiple submitters, no conflicts (2 of 4 stars). 2 submissions from 2 submitters: Uncertain significance (2). Last evaluated 2024-04-27.

Conditions:
Hereditary cancer-predisposing syndrome. Also called: Tumor predisposition; Hereditary neoplastic syndrome; Neoplastic Syndromes, Hereditary; Hereditary Cancer Syndrome. Identifiers: Orphanet 140162, MedGen C0027672, MeSH D009386, MONDO:0015356.
Familial cancer of breast. Also called: hereditary breast carcinoma; Hereditary breast cancer; BREAST CANCER, FAMILIAL. Identifiers: Orphanet 227535, MedGen C0346153, MONDO:0016419, OMIM 114480. Disease mechanism: loss of function.

Submissions (2):

Labcorp Genetics (formerly Invitae), Labcorp
Classification: Uncertain significance for Familial cancer of breast. Last evaluated: 2024-04-27. Review status: criteria provided, single submitter. Criteria: Invitae Variant Classification Sherloc (09022015). Collection method: clinical testing. Allele origin: germline.
Comment: This sequence change replaces leucine, which is neutral and non-polar, with methionine, which is neutral and non-polar, at codon 416 of the BARD1 protein (p.Leu416Met). This variant is not present in population databases (gnomAD no frequency). This variant has not been reported in the literature in individuals affected with BARD1-related conditions. ClinVar contains an entry for this variant (Variation ID: 818693). Algorithms developed to predict the effect of missense changes on protein structure and function output the following: SIFT: "Not Available"; PolyPhen-2: "Benign"; Align-GVGD: "Not Available". The methionine amino acid residue is found in multiple mammalian species, which suggests that this missense change does not adversely affect protein function. In summary, the available evidence is currently insufficient to determine the role of this variant in disease. Therefore, it has been classified as a Variant of Uncertain Significance.

Ambry Genetics
Classification: Uncertain significance for Hereditary cancer-predisposing syndrome. Last evaluated: 2024-01-17. Review status: criteria provided, single submitter. Criteria: Ambry Variant Classification Scheme 2023. Collection method: clinical testing. Allele origin: germline.
Comment: The p.L416M variant (also known as c.1246C>A), located in coding exon 4 of the BARD1 gene, results from a C to A substitution at nucleotide position 1246. The leucine at codon 416 is replaced by methionine, an amino acid with highly similar properties. This amino acid position is not well conserved in available vertebrate species. In addition, this alteration is predicted to be tolerated by in silico analysis. Since supporting evidence is limited at this time, the clinical significance of this alteration remains unclear.

NM_000465.4(BARD1):c.1246C>A (p.Leu416Met)

Gene: BARD1 (BRCA1 associated RING domain 1; minus strand). Cytogenetic location: 2q35.
Variant type: single nucleotide variant.
Coding change: c.1246C>A on transcript NM_000465.4 (MANE Select); coding-DNA position 1246, C replaced by A.
Protein change: p.Leu416Met; replaces leucine 416 with methionine.
Molecular consequence: missense variant. On other transcripts: non-coding transcript variant (2), intron variant (3).
Genome position (GRCh38, 1-based): chr2:214,780,628, G>T on the plus strand (C>A on the coding strand, the complement: BARD1 is on the minus strand). VCF-style: chr2-214780628-G-T. GRCh37 (hg19) VCF-style: chr2-215645352-G-T.
Other names: c.1189C>A, p.Leu397Met (NM_001282543.2); c.159-28073C>A (NM_001282548.2); c.215+16433C>A (NM_001282545.2); c.364+11669C>A (NM_001282549.2); short protein forms L397M, L416M.
Identifiers: ClinVar variation 818693 (VCV000818693.6), dbSNP rs1574816287, ClinGen allele CA350453568.